The following is an entry in ClinVar:

NM_003136.4(SRP54):c.886+18G>T

Gene: SRP54 (signal recognition particle 54; plus strand). Cytogenetic location: 14q13.2.
Variant type: single nucleotide variant.
Coding change: c.886+18G>T on transcript NM_003136.4 (MANE Select); 18 bases into the intron after coding-DNA position 886, G replaced by T.
Molecular consequence: intron variant.
Genome position (GRCh38, 1-based): chr14:35,013,920, G>T. VCF-style: chr14-35013920-G-T. GRCh37 (hg19) VCF-style: chr14-35483126-G-T.
Other names: c.739+18G>T (NM_001146282.2).
Identifiers: ClinVar variation 1478520 (VCV001478520.8), dbSNP rs1235095074, ClinGen allele CA2573149882.

ClinVar aggregate classification (germline): Uncertain significance (1 of 4 stars; one submission).

Submission:

Labcorp Genetics (formerly Invitae), Labcorp
Classification: Uncertain significance. Last evaluated: 2022-09-27. Review status: criteria provided, single submitter. Criteria: Invitae Variant Classification Sherloc (09022015). Collection method: clinical testing. Allele origin: germline.
Comment: ClinVar contains an entry for this variant (Variation ID: 1478520). This variant has not been reported in the literature in individuals affected with SRP54-related conditions. This variant is not present in population databases (gnomAD no frequency). This sequence change falls in intron 10 of the SRP54 gene. It does not directly change the encoded amino acid sequence of the SRP54 protein. Algorithms developed to predict the effect of sequence changes on RNA splicing suggest that this variant may create or strengthen a splice site. In summary, the available evidence is currently insufficient to determine the role of this variant in disease. Therefore, it has been classified as a Variant of Uncertain Significance.